The following is an entry in ClinVar:

NM_000548.5(TSC2):c.3363C>T (p.Ser1121=)

Gene: TSC2 (TSC complex subunit 2; plus strand). Cytogenetic location: 16p13.3.
Variant type: single nucleotide variant.
Coding change: c.3363C>T on transcript NM_000548.5 (MANE Select); coding-DNA position 3363, C replaced by T.
Protein change: p.Ser1121=; no amino-acid change (serine 1121 retained).
Molecular consequence: synonymous variant. On other transcripts: non-coding transcript variant (5).
Genome position (GRCh38, 1-based): chr16:2,079,635, C>T. VCF-style: chr16-2079635-C-T. GRCh37 (hg19) VCF-style: chr16-2129636-C-T.
Other names: c.3231C>T, p.Ser1077= (NM_001077183.3, NM_001370404.1, NM_001406665.1); c.3363C>T, p.Ser1121= (NM_001114382.3); c.3123C>T, p.Ser1041= (NM_001318827.2); c.3087C>T, p.Ser1029= (NM_001318829.2); c.2631C>T, p.Ser877= (NM_001318831.2, NM_001406687.1, NM_001406688.1); c.3264C>T, p.Ser1088= (NM_001318832.2); c.3234C>T, p.Ser1078= (NM_001363528.2, NM_001370405.1, NM_021055.3); c.3360C>T, p.Ser1120= (NM_001406663.1, NM_001406664.1); and 18 more.
Identifiers: ClinVar variation 4071258 (VCV004071258.2).

ClinVar aggregate classification (germline): Benign/Likely benign. Review status: criteria provided, multiple submitters, no conflicts (2 of 4 stars). 2 submissions from 2 submitters: Benign (1); Likely benign (1). Last evaluated 2026-08-02.

Conditions:
Tuberous sclerosis 2 (TSC2). Identifiers: Orphanet 805, MedGen C1860707, MONDO:0013199, OMIM 613254.
Hereditary cancer-predisposing syndrome. Also called: Neoplastic Syndromes, Hereditary; Tumor predisposition; Hereditary Cancer Syndrome; Hereditary neoplastic syndrome. Identifiers: Orphanet 140162, MedGen C0027672, MeSH D009386, MONDO:0015356.

Submissions (2):

Ambry Genetics
Classification: Likely benign for Hereditary cancer-predisposing syndrome. Last evaluated: 2026-08-02. Review status: criteria provided, single submitter. Criteria: Ambry Variant Classification Scheme 2023. Collection method: clinical testing. Allele origin: germline.

Myriad Genetics, Inc.
Classification: Benign for Tuberous sclerosis 2. Last evaluated: 2025-05-29. Review status: criteria provided, single submitter. Criteria: Myriad Autosomal Dominant, Autosomal Recessive and X-Linked Classification Criteria (2023). Collection method: clinical testing. Allele origin: unknown.
Comment: This variant is considered benign. This variant is a silent/synonymous amino acid change and it is not expected to impact splicing.